The following is an entry in ClinVar:

ClinVar aggregate classification (germline): Uncertain significance (1 of 4 stars; one submission).

Conditions:
Inborn genetic diseases. Identifiers: MedGen C0950123, MeSH D030342.

Submission:

Ambry Genetics
Classification: Uncertain significance for Inborn genetic diseases. Last evaluated: 2025-07-24. Review status: criteria provided, single submitter. Criteria: Ambry Variant Classification Scheme 2023. Collection method: clinical testing. Allele origin: germline.
Comment: The p.I1465V variant (also known as c.4393A>G), located in coding exon 30 of the ANKRD26 gene, results from an A to G substitution at nucleotide position 4393. The isoleucine at codon 1465 is replaced by valine, an amino acid with highly similar properties. This amino acid position is conserved. In addition, this alteration is predicted to be tolerated by in silico analysis. Based on the available evidence, the clinical significance of this variant remains unclear.

NM_014915.3(ANKRD26):c.4393A>G (p.Ile1465Val)

Gene: ANKRD26 (ankyrin repeat domain containing 26; minus strand). Cytogenetic location: 10p12.1.
Variant type: single nucleotide variant.
Coding change: c.4393A>G on transcript NM_014915.3 (MANE Select); coding-DNA position 4393, A replaced by G.
Protein change: p.Ile1465Val; replaces isoleucine 1465 with valine.
Molecular consequence: missense variant.
Genome position (GRCh38, 1-based): chr10:27,017,615, T>C on the plus strand (A>G on the coding strand, the complement: ANKRD26 is on the minus strand). VCF-style: chr10-27017615-T-C. GRCh37 (hg19) VCF-style: chr10-27306544-T-C.
Other names: c.4390A>G, p.Ile1464Val (NM_001256053.2); short protein forms I1464V, I1465V.
Identifiers: ClinVar variation 4103703 (VCV004103703.1).